The following is an entry in ClinVar:

NM_018489.3(ASH1L):c.2254A>T (p.Asn752Tyr)

Gene: ASH1L (ASH1 like histone lysine methyltransferase; minus strand). Cytogenetic location: 1q22.
Variant type: single nucleotide variant.
Coding change: c.2254A>T on transcript NM_018489.3 (MANE Select); coding-DNA position 2254, A replaced by T.
Protein change: p.Asn752Tyr; replaces asparagine 752 with tyrosine.
Molecular consequence: missense variant.
Genome position (GRCh38, 1-based): chr1:155,480,616, T>A on the plus strand (A>T on the coding strand, the complement: ASH1L is on the minus strand). VCF-style: chr1-155480616-T-A. GRCh37 (hg19) VCF-style: chr1-155450407-T-A.
Other names: c.2254A>T, p.Asn752Tyr (NM_001366177.2); short protein forms N752Y.
Identifiers: ClinVar variation 5008058 (VCV005008058.1).

ClinVar aggregate classification (germline): Uncertain significance (1 of 4 stars; one submission).

Submission:

GeneDx
Classification: Uncertain significance. Last evaluated: 2026-02-26. Review status: criteria provided, single submitter. Criteria: GeneDx Variant Classification Process June 2021. Collection method: clinical testing. Allele origin: germline.
Comment: Not observed at significant frequency in large population cohorts (gnomAD); In silico analysis supports that this missense variant has a deleterious effect on protein structure/function; Has not been previously published as pathogenic or benign to our knowledge